The following is an entry in ClinVar:

ClinVar aggregate classification (germline): Uncertain significance (1 of 4 stars; one submission).

Conditions:
Bethlem myopathy 1A. Also called: Bethlem Muscular Dystrophy; Bethlem myopathy 1; MYOPATHY, BENIGN CONGENITAL, WITH CONTRACTURES. Identifiers: Orphanet 610, MedGen CN029274, MONDO:0024530, OMIM 158810.

Allele frequency attached by ClinVar (database versions not stated): gnomAD exomes below 0.00001.

Submission:

Labcorp Genetics (formerly Invitae), Labcorp
Classification: Uncertain significance for Bethlem myopathy 1A. Last evaluated: 2022-08-16. Review status: criteria provided, single submitter. Criteria: Invitae Variant Classification Sherloc (09022015). Collection method: clinical testing. Allele origin: germline.
Comment: In summary, the available evidence is currently insufficient to determine the role of this variant in disease. Therefore, it has been classified as a Variant of Uncertain Significance. Advanced modeling of protein sequence and biophysical properties (such as structural, functional, and spatial information, amino acid conservation, physicochemical variation, residue mobility, and thermodynamic stability) performed at Invitae indicates that this missense variant is not expected to disrupt COL6A1 protein function. ClinVar contains an entry for this variant (Variation ID: 969717). This variant has not been reported in the literature in individuals affected with COL6A1-related conditions. This variant is not present in population databases (gnomAD no frequency). This sequence change replaces leucine, which is neutral and non-polar, with methionine, which is neutral and non-polar, at codon 900 of the COL6A1 protein (p.Leu900Met).

NM_001848.3(COL6A1):c.2698C>A (p.Leu900Met)

Gene: COL6A1 (collagen type VI alpha 1 chain; plus strand). Cytogenetic location: 21q22.3.
Variant type: single nucleotide variant.
Coding change: c.2698C>A on transcript NM_001848.3 (MANE Select); coding-DNA position 2698, C replaced by A.
Protein change: p.Leu900Met; replaces leucine 900 with methionine.
Molecular consequence: missense variant.
Genome position (GRCh38, 1-based): chr21:46,003,624, C>A. VCF-style: chr21-46003624-C-A. GRCh37 (hg19) VCF-style: chr21-47423538-C-A.
Other names: short protein forms L900M.
Identifiers: ClinVar variation 969717 (VCV000969717.10), dbSNP rs1226903258, ClinGen allele CA410540731.
Genomic context (GRCh38, chr21:46,003,624, plus strand): 5'-GGCACGGGCCAGCAGCGCCCAGAGCGGGCGTCGCTGCAGTTCCTGCAGAACTACACGGCC[C>A]TGGCCAGTGCCGTCGATGCCATGGACTTTATCAACGACGCCACCGACGTCAACGATGCCC-3'
Protein context (NP_001839.2, residues 890-910): SLQFLQNYTA[Leu900Met]ASAVDAMDFI